The following is an entry in ClinVar:

ClinVar aggregate classification (germline): Benign (1 of 4 stars; one submission).

Conditions:
Nephronophthisis 7 (NPHP7). Identifiers: Orphanet 655, MedGen C1969092, MONDO:0012680, OMIM 611498.

Allele frequency attached by ClinVar (database versions not stated): gnomAD 0.00056 and 0.00086; TOPMed 0.00091; 1000 Genomes Project 30x 0.00547; 1000 Genomes Project 0.00679.

Submission:

Illumina Laboratory Services, Illumina
Classification: Benign for Nephronophthisis 7. Last evaluated: 2018-01-13. Review status: criteria provided, single submitter. Criteria: ICSL Variant Classification Criteria 13 December 2019. Collection method: clinical testing. Allele origin: germline.
Comment: This variant was observed in the ICSL laboratory as part of a predisposition screen in an ostensibly healthy population. It had not been previously curated by ICSL or reported in the Human Gene Mutation Database (HGMD: prior to June 1st, 2018), and was therefore a candidate for classification through an automated scoring system. Utilizing variant allele frequency, disease prevalence and penetrance estimates, and inheritance mode, an automated score was calculated to assess if this variant is too frequent to cause the disease. Based on the score and internal cut-off values, a variant classified as benign is not then subjected to further curation. The score for this variant resulted in a classification of benign for this disease.

NM_032575.3(GLIS2):c.*1176C>T

Gene: GLIS2 (GLIS family zinc finger 2; plus strand). Cytogenetic location: 16p13.3.
Variant type: single nucleotide variant.
Coding change: c.*1176C>T on transcript NM_032575.3 (MANE Select); 1176 bases downstream of the stop codon, C replaced by T.
Molecular consequence: 3 prime UTR variant.
Genome position (GRCh38, 1-based): chr16:4,338,700, C>T. VCF-style: chr16-4338700-C-T. GRCh37 (hg19) VCF-style: chr16-4388701-C-T.
Other names: c.*1176C>T (NM_001318918.2).
Identifiers: ClinVar variation 319254 (VCV000319254.5), dbSNP rs150762287, ClinGen allele CA10643640.